The following is an entry in ClinVar:

NM_153717.3(EVC):c.2878A>G (p.Thr960Ala)

Gene: EVC (EvC ciliary complex subunit 1; plus strand). Cytogenetic location: 4p16.2.
Variant type: single nucleotide variant.
Coding change: c.2878A>G on transcript NM_153717.3 (MANE Select); coding-DNA position 2878, A replaced by G.
Protein change: p.Thr960Ala; replaces threonine 960 with alanine.
Molecular consequence: missense variant.
Genome position (GRCh38, 1-based): chr4:5,810,434, A>G. VCF-style: chr4-5810434-A-G. GRCh37 (hg19) VCF-style: chr4-5812161-A-G.
Other names: c.2878A>G, p.Thr960Ala (NM_001306090.2); short protein forms T960A.
Identifiers: ClinVar variation 1428656 (VCV001428656.6), dbSNP rs2152394644, ClinGen allele CA356153194.
Genomic context (GRCh38, chr4:5,810,434, plus strand): 5'-CCCCAGGAAAGAGGGGACCTGGGGGTGCCCAACAATGAGGACCTTGCCTCCGGGGACCAG[A>G]CCTCAGGCTCACTCAGGTATGACTGGGCCCCGGACCTGTTGCCTGTGGCTGGGTTTGGTA-3'
Protein context (NP_714928.1, residues 950-970): NNEDLASGDQ[Thr960Ala]SGSLSSKRLS

ClinVar aggregate classification (germline): Uncertain significance (1 of 4 stars; one submission).

Conditions:
Ellis-van Creveld syndrome (EVC). Also called: Chondroectodermal dysplasia; EVC-Related Ellis-van Creveld Syndrome; EVC2-Related Ellis-van Creveld Syndrome; MESOECTODERMAL DYSPLASIA. Identifiers: Orphanet 289, MedGen C0013903, MONDO:0009162, OMIM 225500.
Curry-Hall syndrome (WAD). Also called: WEYERS ACRODENTAL DYSOSTOSIS. Identifiers: Orphanet 952, MedGen C0457013, MONDO:0008673, OMIM 193530.

Submission:

Labcorp Genetics (formerly Invitae), Labcorp
Classification: Uncertain significance for Curry-Hall syndrome; Ellis-van Creveld syndrome. Last evaluated: 2022-02-11. Review status: criteria provided, single submitter. Criteria: Invitae Variant Classification Sherloc (09022015). Collection method: clinical testing. Allele origin: germline.
Comment: This sequence change replaces threonine, which is neutral and polar, with alanine, which is neutral and non-polar, at codon 960 of the EVC protein (p.Thr960Ala). This variant is not present in population databases (gnomAD no frequency). This variant has not been reported in the literature in individuals affected with EVC-related conditions. Algorithms developed to predict the effect of missense changes on protein structure and function output the following: SIFT: "Tolerated"; PolyPhen-2: "Benign"; Align-GVGD: "Class C0". The alanine amino acid residue is found in multiple mammalian species, which suggests that this missense change does not adversely affect protein function. In summary, the available evidence is currently insufficient to determine the role of this variant in disease. Therefore, it has been classified as a Variant of Uncertain Significance.